The following is an entry in ClinVar:

ClinVar aggregate classification (germline): Uncertain significance. Review status: criteria provided, multiple submitters, no conflicts (2 of 4 stars). 7 submissions from 7 submitters: Uncertain significance (7). Last evaluated 2026-03-30.

Conditions:
Cardiovascular phenotype. Identifiers: MedGen CN230736.
Dilated cardiomyopathy 1G (CMD1G). Identifiers: Orphanet 154, MedGen C1858763, MONDO:0011400, OMIM 604145.
Autosomal recessive limb-girdle muscular dystrophy type 2J (LGMDR10). Also called: MUSCULAR DYSTROPHY, LIMB-GIRDLE, AUTOSOMAL RECESSIVE 10; Limb-girdle muscular dystrophy, type 2J. Identifiers: Orphanet 140922, MedGen C1837342, MONDO:0012127, OMIM 608807.
TTN-related myopathy. Identifiers: MedGen CN294812, MONDO:0100175.
Myopathy, myofibrillar, 9, with early respiratory failure (MFM9). Also called: Myopathy, distal, with early respiratory failure, autosomal dominant; EDSTROM MYOPATHY; Hereditary myopathy with early respiratory failure; MYOPATHY, PROXIMAL, WITH EARLY RESPIRATORY MUSCLE INVOLVEMENT. Identifiers: Orphanet 178464, Orphanet 34521, MedGen C1863599, MONDO:0011362, OMIM 603689.
Early-onset myopathy with fatal cardiomyopathy (CMYO5). Also called: CONGENITAL MYOPATHY 5 WITH CARDIOMYOPATHY; Salih Myopathy. Identifiers: Orphanet 289377, MedGen C2673677, MONDO:0012714, OMIM 611705. Disease mechanism: loss of function.
Hypertrophic cardiomyopathy 9. Also called: Familial hypertrophic cardiomyopathy 9. Identifiers: MedGen C1861065, MONDO:0013412, OMIM 613765.
Tibial muscular dystrophy (TMD). Also called: Udd Distal Myopathy – Tibial Muscular Dystrophy; Tibial muscular dystrophy, tardive; UDD MYOPATHY. Identifiers: Orphanet 609, MedGen C1838244, MONDO:0010870, OMIM 600334.
TTN-related disorder. Also called: TTN-related condition; TTN-related disease; TTN-related disorders.

Allele frequency attached by ClinVar (database versions not stated): gnomAD exomes 0.00001; ExAC 0.00005; TOPMed 0.00005; gnomAD 0.00008 and 0.00009; 1000 Genomes Project 30x 0.00016; 1000 Genomes Project 0.00020.

Submissions (7):

PreventionGenetics, part of Exact Sciences
Classification: Uncertain significance for TTN-related condition. Last evaluated: 2026-03-30. Review status: criteria provided, single submitter. Criteria: ACMG Guidelines, 2015. Collection method: clinical testing. Allele origin: germline.
Comment: The TTN c.47705G>A variant is predicted to result in the amino acid substitution p.Gly15902Glu. To our knowledge, this variant has not been reported in the literature. This variant is reported in 0.031% of alleles in individuals of African descent in gnomAD. At this time, the clinical significance of this variant is uncertain due to the absence of conclusive functional and genetic evidence.

Women's Health and Genetics/Laboratory Corporation of America, LabCorp
Classification: Uncertain significance. Last evaluated: 2024-02-05. Review status: criteria provided, single submitter. Criteria: LabCorp Variant Classification Summary - May 2015. Collection method: clinical testing. Allele origin: germline.
Comment: Variant summary: TTN c.40001G>A (p.Gly13334Glu) results in a non-conservative amino acid change located in the A-band region of the encoded protein sequence. Three of four in-silico tools predict a damaging effect of the variant on protein function. The variant allele was found at a frequency of 1.4e-05 in 216416 control chromosomes (gnomAD). The available data on variant occurrences in the general population are insufficient to allow any conclusion about variant significance. To our knowledge, no occurrence of c.40001G>A in individuals affected with Dilated Cardiomyopathy or other TTN-related disorders and no experimental evidence demonstrating its impact on protein function have been reported. ClinVar contains an entry for this variant (Variation ID: 535505). Based on the evidence outlined above, the variant was classified as uncertain significance.

Fulgent Genetics
Classification: Uncertain significance for Tibial muscular dystrophy; Myopathy, myofibrillar, 9, with early respiratory failure; Dilated cardiomyopathy 1G; Autosomal recessive limb-girdle muscular dystrophy type 2J; Early-onset myopathy with fatal cardiomyopathy; Hypertrophic cardiomyopathy 9. Last evaluated: 2021-10-25. Review status: criteria provided, single submitter. Criteria: ACMG Guidelines, 2015. Collection method: clinical testing. Allele origin: unknown.

Department of Pathology and Laboratory Medicine, Sinai Health System
Classification: Uncertain significance for TTN-related myopathy. Last evaluated: 2021-04-01. Review status: criteria provided, single submitter. Criteria: ACMG Guidelines, 2015. Collection method: research. Allele origin: germline.

Ambry Genetics
Classification: Uncertain significance for Cardiovascular phenotype. Last evaluated: 2020-02-25. Review status: criteria provided, single submitter. Criteria: Ambry Variant Classification Scheme 2023. Collection method: clinical testing. Allele origin: germline.
Comment: The p.G6837E variant (also known as c.20510G>A), located in coding exon 81 of the TTN gene, results from a G to A substitution at nucleotide position 20510. The glycine at codon 6837 is replaced by glutamic acid, an amino acid with similar properties. This amino acid position is highly conserved in available vertebrate species. In addition, the in silico prediction for this alteration is inconclusive. Since supporting evidence is limited at this time, the clinical significance of this alteration remains unclear.

Revvity Omics, Revvity
Classification: Uncertain significance. Last evaluated: 2019-09-17. Review status: criteria provided, single submitter. Criteria: ACMG Guidelines, 2015. Collection method: clinical testing. Allele origin: germline.

Labcorp Genetics (formerly Invitae), Labcorp
Classification: Uncertain significance for Dilated cardiomyopathy 1G; Autosomal recessive limb-girdle muscular dystrophy type 2J. Last evaluated: 2017-09-22. Review status: criteria provided, single submitter. Criteria: Invitae Variant Classification Sherloc (09022015). Collection method: clinical testing. Allele origin: germline.

NM_001267550.2(TTN):c.47705G>A (p.Gly15902Glu)

Genes: TTN-AS1 (TTN antisense RNA 1; plus strand), TTN (titin; minus strand). Cytogenetic location: 2q31.2.
Variant type: single nucleotide variant.
Coding change: c.47705G>A on transcript NM_001267550.2 (MANE Select); coding-DNA position 47705, G replaced by A.
Protein change: p.Gly15902Glu; replaces glycine 15902 with glutamic acid.
Molecular consequence: missense variant.
Genome position (GRCh38, 1-based): chr2:178,617,380, C>T on the plus strand (G>A on the coding strand, the complement: TTN is on the minus strand). VCF-style: chr2-178617380-C-T. GRCh37 (hg19) VCF-style: chr2-179482107-C-T.
Other names: c.42782G>A, p.Gly14261Glu (NM_001256850.1); c.20510G>A, p.Gly6837Glu (NM_003319.4); c.40001G>A, p.Gly13334Glu (NM_133378.4); c.20885G>A, p.Gly6962Glu (NM_133432.3); c.21086G>A, p.Gly7029Glu (NM_133437.4); short protein forms G15902E, G6837E, G7029E, G13334E, G6962E, G14261E.
Identifiers: ClinVar variation 535505 (VCV000535505.13), dbSNP rs561284948, ClinGen allele CA1995000.